The following is an entry in ClinVar:

NM_182548.4(LHFPL5):c.34A>T (p.Lys12Ter)

Gene: LHFPL5 (LHFPL tetraspan subfamily member 5; plus strand). Cytogenetic location: 6p21.31.
Variant type: single nucleotide variant.
Coding change: c.34A>T on transcript NM_182548.4 (MANE Select); coding-DNA position 34, A replaced by T.
Protein change: p.Lys12Ter; replaces lysine 12 with a stop codon.
Molecular consequence: nonsense.
Genome position (GRCh38, 1-based): chr6:35,805,704, A>T. VCF-style: chr6-35805704-A-T. GRCh37 (hg19) VCF-style: chr6-35773481-A-T.
Other names: short protein forms K12*.
Identifiers: ClinVar variation 4813858 (VCV004813858.1).

ClinVar aggregate classification (germline): Likely pathogenic (1 of 4 stars; one submission).

Conditions:
Autosomal recessive nonsyndromic hearing loss 67. Identifiers: Orphanet 90636, MedGen C1853223, MONDO:0012460, OMIM 610265.

Submission:

Genetics Research Center, University of Social Welfare and Rehabilitation Sciences
Classification: Likely pathogenic for Autosomal recessive nonsyndromic hearing loss 67. Review status: criteria provided, single submitter. Criteria: ACMG Guidelines, 2015. Collection method: research. Allele origin: germline. Affected: yes.
Comment: The LHFPL5 c.34A>T (p.Lys12Ter) variant is a null variant predicted to result in nonsense-mediated mRNA decay. Loss of function of LHFPL5 is an established mechanism for autosomal recessive nonsyndromic hearing loss (DFNB67) (PMID:31126177). This variant has been reported in homozygous state in an Iranian family with prelingual profound hearing loss and segregates with disease. The variant is absent from population databases.

Literature cited by the submitters: PubMed 31126177.